The following is an entry in ClinVar:

ClinVar aggregate classification (germline): Uncertain significance (1 of 4 stars; one submission).

Conditions:
Malignant hyperthermia, susceptibility to, 5 (MHS5). Also called: CACNA1S-Related Malignant Hyperthermia Susceptibility. Identifiers: Orphanet 423, MedGen C1866077, MONDO:0011163, OMIM 601887.

gnomAD v4.1: 2 of 1,613,564 alleles (0.00012%); highest among the groups gnomAD compares: South Asian, 0.0011%; no homozygotes.

Submission:

Color Diagnostics, LLC DBA Color Health
Classification: Uncertain significance for Malignant hyperthermia, susceptibility to, 5. Last evaluated: 2025-06-09. Review status: criteria provided, single submitter. Criteria: ACMG Guidelines, 2015. Collection method: clinical testing. Allele origin: germline.
Comment: This variant is located in the CACNA1S protein. To our knowledge, functional studies have not been reported for this variant. This variant has not been reported in individuals affected with CACNA1S-related disorders in the literature. This variant has been identified in 1/248824 chromosomes in the general population by the Genome Aggregation Database (gnomAD). The available evidence is insufficient to determine the role of this variant in disease conclusively. Therefore, this variant is classified as a Variant of Uncertain Significance.

NM_000069.3(CACNA1S):c.2907G>A (p.Arg969=)

Gene: CACNA1S (calcium voltage-gated channel subunit alpha1 S; minus strand). Cytogenetic location: 1q32.1.
Variant type: single nucleotide variant.
Coding change: c.2907G>A on transcript NM_000069.3 (MANE Select); coding-DNA position 2907, G replaced by A.
Protein change: p.Arg969=; no amino-acid change (arginine 969 retained).
Molecular consequence: synonymous variant.
Genome position (GRCh38, 1-based): chr1:201,062,090, C>T on the plus strand (G>A on the coding strand, the complement: CACNA1S is on the minus strand). VCF-style: chr1-201062090-C-T. GRCh37 (hg19) VCF-style: chr1-201031218-C-T.
Identifiers: ClinVar variation 4757150 (VCV004757150.1).
Genomic context (GRCh38, chr1:201,062,090, plus strand): 5'-CTCGCGGTGACGCAGCTCTATCTGCATGGGGTCCCCGTCCTTGTACACGTAGTAGTAGCC[C>T]CTGTGGCAGGGAGGCCCAGTCACTCCACAGGGCATGGCTGGGCTGCCTTGCCCCACCCAC-3'
Protein context (NP_000060.2, residues 959-979): DLSKMTEEEC[Arg969=]GYYYVYKDGD